The following is an entry in ClinVar:

ClinVar aggregate classification (germline): Uncertain significance (1 of 4 stars; one submission).

Conditions:
HYPERHOMOCYSTEINEMIA, THROMBOTIC, CBS-RELATED. Identifiers: MedGen C3150344, OMIM 236200.

Submission:

Labcorp Genetics (formerly Invitae), Labcorp
Classification: Uncertain significance for HYPERHOMOCYSTEINEMIA, THROMBOTIC, CBS-RELATED. Last evaluated: 2023-08-16. Review status: criteria provided, single submitter. Criteria: Invitae Variant Classification Sherloc (09022015). Collection method: clinical testing. Allele origin: germline.
Comment: This variant has not been reported in the literature in individuals affected with CBS-related conditions. This variant is not present in population databases (gnomAD no frequency). This sequence change replaces leucine, which is neutral and non-polar, with proline, which is neutral and non-polar, at codon 181 of the CBS protein (p.Leu181Pro). In summary, the available evidence is currently insufficient to determine the role of this variant in disease. Therefore, it has been classified as a Variant of Uncertain Significance. Advanced modeling of protein sequence and biophysical properties (such as structural, functional, and spatial information, amino acid conservation, physicochemical variation, residue mobility, and thermodynamic stability) performed at Invitae indicates that this missense variant is expected to disrupt CBS protein function.

NM_000071.3(CBS):c.542T>C (p.Leu181Pro)

Gene: CBS (cystathionine beta-synthase; minus strand). Cytogenetic location: 21q22.3.
Variant type: single nucleotide variant.
Coding change: c.542T>C on transcript NM_000071.3 (MANE Select); coding-DNA position 542, T replaced by C.
Protein change: p.Leu181Pro; replaces leucine 181 with proline.
Molecular consequence: missense variant.
Genome position (GRCh38, 1-based): chr21:43,065,511, A>G on the plus strand (T>C on the coding strand, the complement: CBS is on the minus strand). VCF-style: chr21-43065511-A-G. GRCh37 (hg19) VCF-style: chr21-44485621-A-G.
Other names: c.542T>C, p.Leu181Pro (NM_001178008.3, NM_001178009.3, NM_001320298.2); c.227T>C, p.Leu76Pro (NM_001321072.1); short protein forms L181P, L76P.
Identifiers: ClinVar variation 2752999 (VCV002752999.3), dbSNP rs2517446008, ClinGen allele CA410601178.
Genomic context (GRCh38, chr21:43,065,511, plus strand): 5'-TCCGGGGAGTCGAACCTGGCATTGGTGGGCGTCCTCACAATCTCAGCCCCCAGTGCCCGC[A>G]GCACGTCCACCTGCAGGAGGGAAAGCGGTGGCCTGCACCTTCCGCCTGGCCCAGGCACCC-3'
Protein context (NP_000062.1, residues 171-191): EKMSSEKVDV[Leu181Pro]RALGAEIVRT